The following is an entry in ClinVar:

NM_021830.5(TWNK):c.1902C>A (p.Asn634Lys)

Gene: TWNK (twinkle mtDNA helicase; plus strand). Cytogenetic location: 10q24.31.
Variant type: single nucleotide variant.
Coding change: c.1902C>A on transcript NM_021830.5 (MANE Select); coding-DNA position 1902, C replaced by A.
Protein change: p.Asn634Lys; replaces asparagine 634 with lysine.
Molecular consequence: missense variant. On other transcripts: 3 prime UTR variant (2), non-coding transcript variant (5).
Genome position (GRCh38, 1-based): chr10:100,993,357, C>A. VCF-style: chr10-100993357-C-A. GRCh37 (hg19) VCF-style: chr10-102753114-C-A.
Other names: c.*197C>A (NM_001163812.2, NM_001163814.2); c.540C>A, p.Asn180Lys (NM_001163813.2, NM_001368275.1); short protein forms N180K, N634K.
Identifiers: ClinVar variation 2903540 (VCV002903540.3), dbSNP rs62626293, ClinGen allele CA378212616.
Genomic context (GRCh38, chr10:100,993,357, plus strand): 5'-AGGTGTCTTCCCGCTTGAGTTCAACAAGAACTCCCTCACCTTCTCCATTCCACCAAAGAA[C>A]AAGGCCCGGCTCAAGAAGATCAAGGATGACACTGGACCAGTGGCCAAAAAGCCCTCTTCT-3'
Protein context (NP_068602.2, residues 624-644): NSLTFSIPPK[Asn634Lys]KARLKKIKDD

ClinVar aggregate classification (germline): Uncertain significance (1 of 4 stars; one submission).

Allele frequency attached by ClinVar (database versions not stated): gnomAD 0.00001.
gnomAD v4.1: 16 of 1,614,092 alleles (0.00099%); highest among the groups gnomAD compares: Non-Finnish European, 0.0014%; no homozygotes.

Submission:

Labcorp Genetics (formerly Invitae), Labcorp
Classification: Uncertain significance. Last evaluated: 2024-07-30. Review status: criteria provided, single submitter. Criteria: Invitae Variant Classification Sherloc (09022015). Collection method: clinical testing. Allele origin: germline.
Comment: This sequence change replaces asparagine, which is neutral and polar, with lysine, which is basic and polar, at codon 634 of the TWNK protein (p.Asn634Lys). This variant is not present in population databases (gnomAD no frequency). This variant has not been reported in the literature in individuals affected with TWNK-related conditions. Advanced modeling of protein sequence and biophysical properties (such as structural, functional, and spatial information, amino acid conservation, physicochemical variation, residue mobility, and thermodynamic stability) performed at Invitae indicates that this missense variant is not expected to disrupt TWNK protein function with a negative predictive value of 95%. In summary, the available evidence is currently insufficient to determine the role of this variant in disease. Therefore, it has been classified as a Variant of Uncertain Significance.